The following is an entry in ClinVar:

NM_001365276.2(TNXB):c.6208G>A (p.Val2070Ile)

Gene: TNXB (tenascin XB; minus strand). Cytogenetic location: 6p21.33.
Variant type: single nucleotide variant.
Coding change: c.6208G>A on transcript NM_001365276.2 (MANE Select); coding-DNA position 6208, G replaced by A.
Protein change: p.Val2070Ile; replaces valine 2070 with isoleucine.
Molecular consequence: missense variant.
Genome position (GRCh38, 1-based): chr6:32,068,402, C>T on the plus strand (G>A on the coding strand, the complement: TNXB is on the minus strand). VCF-style: chr6-32068402-C-T. GRCh37 (hg19) VCF-style: chr6-32036179-C-T.
Other names: c.6208G>A, p.Val2070Ile (NM_019105.8); short protein forms V2070I.
Identifiers: ClinVar variation 1752199 (VCV001752199.10), dbSNP rs374970674, ClinGen allele CA3734510.

ClinVar aggregate classification (germline): Conflicting classifications of pathogenicity. Review status: criteria provided, conflicting classifications (1 of 4 stars). 2 submissions from 2 submitters: Uncertain significance (1); Likely benign (1). Last evaluated 2025-04-01.

Conditions:
Cardiovascular phenotype. Identifiers: MedGen CN230736.

Allele frequency attached by ClinVar (database versions not stated): ExAC 0.00003; gnomAD 0.00003; TOPMed 0.00003; ESP Exome Variant Server 0.00008; 1000 Genomes Project 30x 0.00016; 1000 Genomes Project 0.00020.
gnomAD v4.1: 22 of 1,613,460 alleles (0.0014%); highest among the groups gnomAD compares: African/African-American, 0.0067%; no homozygotes.

Submissions (2):

CeGaT Center for Human Genetics Tuebingen
Classification: Uncertain significance. Last evaluated: 2025-04-01. Review status: criteria provided, single submitter. Criteria: CeGaT Center For Human Genetics Tuebingen Variant Classification Criteria Version 2. Collection method: clinical testing. Allele origin: germline. Affected: yes. Observed: 1 variant allele.
Comment: TNXB: PM2, BP4

Ambry Genetics
Classification: Likely benign for Cardiovascular phenotype. Last evaluated: 2024-06-10. Review status: criteria provided, single submitter. Criteria: Ambry Variant Classification Scheme 2023. Collection method: clinical testing. Allele origin: germline.